The following is an entry in ClinVar:

ClinVar aggregate classification (germline): Uncertain significance. Review status: criteria provided, multiple submitters, no conflicts (2 of 4 stars). 3 submissions from 3 submitters: Uncertain significance (3). Last evaluated 2025-06-05.

Conditions:
PYGM-related disorder. Also called: PYGM-related condition.
Glycogen storage disease, type V (GSD5). Also called: MCARDLE DISEASE; MUSCLE GLYCOGEN PHOSPHORYLASE DEFICIENCY; MYOPHOSPHORYLASE DEFICIENCY; PYGM DEFICIENCY; McArdle type glycogen storage disease. Identifiers: Orphanet 368, MedGen C0017924, MONDO:0009293, OMIM 232600.

Allele frequency attached by ClinVar (database versions not stated): ExAC 0.00001; gnomAD exomes 0.00002; gnomAD 0.00003; TOPMed 0.00003.
gnomAD v4.1: 42 of 1,613,952 alleles (0.0026%); highest among the groups gnomAD compares: Non-Finnish European, 0.0031%; no homozygotes.

Submissions (3):

PreventionGenetics, part of Exact Sciences
Classification: Uncertain significance for PYGM-related condition. Last evaluated: 2025-06-05. Review status: criteria provided, single submitter. Criteria: ACMG Guidelines, 2015. Collection method: clinical testing. Allele origin: germline.
Comment: The PYGM c.833G>A variant is predicted to result in the amino acid substitution p.Arg278His. To our knowledge, this variant has not been reported in the literature. This variant is reported in 0.0046% of alleles in individuals of European (Finnish) descent in gnomAD. At this time, the clinical significance of this variant is uncertain due to the absence of conclusive functional and genetic evidence.

Fulgent Genetics
Classification: Uncertain significance for Glycogen storage disease, type V. Last evaluated: 2024-03-08. Review status: criteria provided, single submitter. Criteria: ACMG Guidelines, 2015. Collection method: clinical testing. Allele origin: germline.

GeneDx
Classification: Uncertain significance. Last evaluated: 2019-11-14. Review status: criteria provided, single submitter. Criteria: GeneDx Variant Classification Process June 2021. Collection method: clinical testing. Allele origin: germline. Affected: yes.
Comment: Not observed at a significant frequency in large population cohorts (Lek et al., 2016); The majority of missense variants in this gene are considered pathogenic (Stenson et al., 2014); In silico analysis, which includes protein predictors and evolutionary conservation, supports a deleterious effect; Has not been previously published as pathogenic or benign to our knowledge

NM_005609.4(PYGM):c.833G>A (p.Arg278His)

Gene: PYGM (glycogen phosphorylase, muscle associated; minus strand). Cytogenetic location: 11q13.1.
Variant type: single nucleotide variant.
Coding change: c.833G>A on transcript NM_005609.4 (MANE Select); coding-DNA position 833, G replaced by A.
Protein change: p.Arg278His; replaces arginine 278 with histidine.
Molecular consequence: missense variant.
Genome position (GRCh38, 1-based): chr11:64,755,295, C>T on the plus strand (G>A on the coding strand, the complement: PYGM is on the minus strand). VCF-style: chr11-64755295-C-T. GRCh37 (hg19) VCF-style: chr11-64522767-C-T.
Other names: c.833G>A (NM_005609.3); c.569G>A, p.Arg190His (NM_001164716.1); short protein forms R190H, R278H.
Identifiers: ClinVar variation 1309594 (VCV001309594.4), dbSNP rs775556109, ClinGen allele CA6080105.